The following is an entry in ClinVar:

NM_001605.3(AARS1):c.1093A>G (p.Lys365Glu)

Gene: AARS1 (alanyl-tRNA synthetase 1; minus strand). Cytogenetic location: 16q22.1.
Variant type: single nucleotide variant.
Coding change: c.1093A>G on transcript NM_001605.3 (MANE Select); coding-DNA position 1093, A replaced by G.
Protein change: p.Lys365Glu; replaces lysine 365 with glutamic acid.
Molecular consequence: missense variant.
Genome position (GRCh38, 1-based): chr16:70,267,788, T>C on the plus strand (A>G on the coding strand, the complement: AARS1 is on the minus strand). VCF-style: chr16-70267788-T-C. GRCh37 (hg19) VCF-style: chr16-70301691-T-C.
Other names: short protein forms K365E.
Identifiers: ClinVar variation 1682254 (VCV001682254.7), dbSNP rs774143119, ClinGen allele CA8140920.
Genomic context (GRCh38, chr16:70,267,788, plus strand): 5'-TCTTGAGAAACTGCACCTCTTCTTCATTAATGATGTCCTTCACCATGTCTGGGTCCTTCT[T>C]CAGCTCAGGAAATGCATCTCCCTGACAAAGGGGAAGCAAGATGAGGGGCTGGATGAAGCC-3'
Protein context (NP_001596.2, residues 355-375): QSLGDAFPEL[Lys365Glu]KDPDMVKDII

ClinVar aggregate classification (germline): Uncertain significance. Review status: criteria provided, single submitter (1 of 4 stars). 2 submissions from 2 submitters: Uncertain significance (1). 1 of the submissions does not count toward it. Last evaluated 2023-03-14.

Conditions:
Charcot-Marie-Tooth disease type 2. Also called: Charcot-Marie-Tooth type 2. Identifiers: Orphanet 64746, MedGen C0270914, MONDO:0018993.
Charcot-Marie-Tooth disease axonal type 2N (CMT2N). Also called: CHARCOT-MARIE-TOOTH DISEASE, AXONAL, AUTOSOMAL DOMINANT, TYPE 2N; CHARCOT-MARIE-TOOTH NEUROPATHY, AXONAL, TYPE 2N; Charcot-Marie-Tooth Neuropathy Type 2N. Identifiers: Orphanet 228174, MedGen C2750090, MONDO:0013212, OMIM 613287.

Allele frequency attached by ClinVar (database versions not stated): gnomAD exomes 0.00001 and below 0.00001; ExAC 0.00002.

Submissions (2):

Labcorp Genetics (formerly Invitae), Labcorp
Classification: Uncertain significance for Charcot-Marie-Tooth disease type 2. Last evaluated: 2023-03-14. Review status: criteria provided, single submitter. Criteria: Invitae Variant Classification Sherloc (09022015). Collection method: clinical testing. Allele origin: germline.
Comment: In summary, the available evidence is currently insufficient to determine the role of this variant in disease. Therefore, it has been classified as a Variant of Uncertain Significance. Advanced modeling of protein sequence and biophysical properties (such as structural, functional, and spatial information, amino acid conservation, physicochemical variation, residue mobility, and thermodynamic stability) performed at Invitae indicates that this missense variant is not expected to disrupt AARS protein function. ClinVar contains an entry for this variant (Variation ID: 1682254). This variant has not been reported in the literature in individuals affected with AARS-related conditions. This variant is present in population databases (rs774143119, gnomAD 0.006%). This sequence change replaces lysine, which is basic and polar, with glutamic acid, which is acidic and polar, at codon 365 of the AARS protein (p.Lys365Glu).

Zotz-Klimas Genetics Lab, MVZ Zotz Klimas
Classification: Uncertain significance for Charcot-Marie-Tooth disease axonal type 2N. Last evaluated: 2023-11-24. Review status: no assertion criteria provided. Collection method: clinical testing. Allele origin: germline. Affected: yes. Not counted in ClinVar's aggregate classification.